The following is an entry in ClinVar:

NM_001112741.2(KCNC1):c.1586A>T (p.Asp529Val)

Gene: KCNC1 (potassium voltage-gated channel subfamily C member 1; plus strand). Cytogenetic location: 11p15.1.
Variant type: single nucleotide variant.
Coding change: c.1586A>T on transcript NM_001112741.2 (MANE Select); coding-DNA position 1586, A replaced by T.
Protein change: p.Asp529Val; replaces aspartic acid 529 with valine.
Molecular consequence: missense variant.
Genome position (GRCh38, 1-based): chr11:17,779,537, A>T. VCF-style: chr11-17779537-A-T. GRCh37 (hg19) VCF-style: chr11-17801084-A-T.
Other names: short protein forms D529V.
Identifiers: ClinVar variation 3690665 (VCV003690665.2).

ClinVar aggregate classification (germline): Uncertain significance (1 of 4 stars; one submission).

Conditions:
Progressive myoclonic epilepsy type 7. Identifiers: Orphanet 435438, MedGen C4015420, MONDO:0014521, OMIM 616187.

gnomAD v4.1: 3 of 1,551,166 alleles (0.00019%); highest among the groups gnomAD compares: African/African-American, 0.0041%; no homozygotes.

Submission:

Labcorp Genetics (formerly Invitae), Labcorp
Classification: Uncertain significance for Progressive myoclonic epilepsy type 7. Last evaluated: 2024-03-22. Review status: criteria provided, single submitter. Criteria: Invitae Variant Classification Sherloc (09022015). Collection method: clinical testing. Allele origin: germline.
Comment: This sequence change replaces aspartic acid, which is acidic and polar, with valine, which is neutral and non-polar, at codon 529 of the KCNC1 protein (p.Asp529Val). The frequency data for this variant in the population databases is considered unreliable, as metrics indicate poor data quality at this position in the gnomAD database. This variant has not been reported in the literature in individuals affected with KCNC1-related conditions. Advanced modeling of protein sequence and biophysical properties (such as structural, functional, and spatial information, amino acid conservation, physicochemical variation, residue mobility, and thermodynamic stability) performed at Invitae indicates that this missense variant is expected to disrupt KCNC1 protein function with a positive predictive value of 95%. In summary, the available evidence is currently insufficient to determine the role of this variant in disease. Therefore, it has been classified as a Variant of Uncertain Significance.